The following is an entry in ClinVar:

NM_005573.4(LMNB1):c.1639A>T (p.Lys547Ter)

Gene: LMNB1 (lamin B1; plus strand). Cytogenetic location: 5q23.2.
Variant type: single nucleotide variant.
Coding change: c.1639A>T on transcript NM_005573.4 (MANE Select); coding-DNA position 1639, A replaced by T.
Protein change: p.Lys547Ter; replaces lysine 547 with a stop codon.
Molecular consequence: nonsense. On other transcripts: non-coding transcript variant (2).
Genome position (GRCh38, 1-based): chr5:126,832,721, A>T. VCF-style: chr5-126832721-A-T. GRCh37 (hg19) VCF-style: chr5-126168413-A-T.
Other names: c.1009A>T, p.Lys337Ter (NM_001198557.2); short protein forms K337*, K547*.
Identifiers: ClinVar variation 3388971 (VCV003388971.14).

ClinVar aggregate classification (germline): Uncertain significance (1 of 4 stars; one submission).

Submission:

CeGaT Center for Human Genetics Tuebingen
Classification: Uncertain significance. Last evaluated: 2024-09-01. Review status: criteria provided, single submitter. Criteria: CeGaT Center For Human Genetics Tuebingen Variant Classification Criteria Version 2. Collection method: clinical testing. Allele origin: germline. Affected: yes. Observed: 1 variant allele.
Comment: LMNB1: PM2